The following is an entry in ClinVar:

NM_031935.3(HMCN1):c.13754-17G>A

Gene: HMCN1 (hemicentin 1; plus strand). Cytogenetic location: 1q31.1.
Variant type: single nucleotide variant.
Coding change: c.13754-17G>A on transcript NM_031935.3 (MANE Select); 17 bases into the intron before coding-DNA position 13754, G replaced by A.
Molecular consequence: intron variant.
Genome position (GRCh38, 1-based): chr1:186,137,785, G>A. VCF-style: chr1-186137785-G-A. GRCh37 (hg19) VCF-style: chr1-186106917-G-A.
Identifiers: ClinVar variation 3685811 (VCV003685811.2).

ClinVar aggregate classification (germline): Uncertain significance (1 of 4 stars; one submission).

Submission:

Labcorp Genetics (formerly Invitae), Labcorp
Classification: Uncertain significance. Last evaluated: 2024-05-28. Review status: criteria provided, single submitter. Criteria: Invitae Variant Classification Sherloc (09022015). Collection method: clinical testing. Allele origin: germline.
Comment: This sequence change falls in intron 88 of the HMCN1 gene. It does not directly change the encoded amino acid sequence of the HMCN1 protein. This variant is present in population databases (no rsID available, gnomAD 0.0009%). This variant has not been reported in the literature in individuals affected with HMCN1-related conditions. Algorithms developed to predict the effect of sequence changes on RNA splicing suggest that this variant may disrupt the consensus splice site. In summary, the available evidence is currently insufficient to determine the role of this variant in disease. Therefore, it has been classified as a Variant of Uncertain Significance.